The following is an entry in ClinVar:

NM_000503.6(EYA1):c.1472C>G (p.Ser491Cys)

Gene: EYA1 (EYA transcriptional coactivator and phosphatase 1; minus strand). Cytogenetic location: 8q13.3.
Variant type: single nucleotide variant.
Coding change: c.1472C>G on transcript NM_000503.6 (MANE Select); coding-DNA position 1472, C replaced by G.
Protein change: p.Ser491Cys; replaces serine 491 with cysteine.
Molecular consequence: missense variant.
Genome position (GRCh38, 1-based): chr8:71,215,617, G>C on the plus strand (C>G on the coding strand, the complement: EYA1 is on the minus strand). VCF-style: chr8-71215617-G-C. GRCh37 (hg19) VCF-style: chr8-72127852-G-C.
Other names: c.1454C>G, p.Ser485Cys (NM_001288574.2, NM_172059.5); c.1106C>G, p.Ser369Cys (NM_001288575.2); c.1559C>G, p.Ser520Cys (NM_001370333.1); c.1472C>G, p.Ser491Cys (NM_001370334.1, NM_001370335.1, NM_172058.4); c.1451C>G, p.Ser484Cys (NM_001370336.1); c.1373C>G, p.Ser458Cys (NM_001411797.1, NM_172060.4); short protein forms S369C, S458C, S484C, S485C, S491C, S520C.
Identifiers: ClinVar variation 3373033 (VCV003373033.2).

ClinVar aggregate classification (germline): Uncertain significance (1 of 4 stars; one submission).

gnomAD v4.1: 6 of 1,613,778 alleles (0.00037%); highest among the groups gnomAD compares: South Asian, 0.0055%; no homozygotes.

Submission:

GeneDx
Classification: Uncertain significance. Last evaluated: 2026-09-03. Review status: criteria provided, single submitter. Criteria: GeneDx Variant Classification Process June 2021. Collection method: clinical testing. Allele origin: germline.
Comment: In silico analysis supports that this missense variant has a deleterious effect on protein structure/function; Has not been previously published as pathogenic or benign to our knowledge